The following is an entry in ClinVar:

ClinVar aggregate classification (germline): Uncertain significance. Review status: criteria provided, multiple submitters, no conflicts (2 of 4 stars). 3 submissions from 3 submitters: Uncertain significance (3). Last evaluated 2026-10-01.

Conditions:
Neurodevelopmental disorder with cardiomyopathy, spasticity, and brain abnormalities. Identifiers: MedGen C5436848, MONDO:0030866, OMIM 619121.

Allele frequency attached by ClinVar (database versions not stated): gnomAD 0.00001.

Submissions (3):

Systems Biology Laboratory, Department of Convergent Bioscience and Informatics, Chungnam National University
Classification: Uncertain significance for Neurodevelopmental disorder with cardiomyopathy, spasticity, and brain abnormalities. Last evaluated: 2026-10-01. Review status: criteria provided, single submitter. Criteria: ACMG Guidelines, 2015. Collection method: research. Allele origin: maternal. Inheritance: Autosomal recessive inheritance. Affected: yes. Observed: 2 variant alleles, 2 compound heterozygotes. Clinical features observed: Microcephaly (HP:0000252), Short neck (HP:0000470), Esotropia (HP:0000565), Autistic behavior (HP:0000729), Intellectual disability (HP:0001249), Seizure (HP:0001250), Obesity (HP:0001513), Abnormal facial shape (HP:0001999), Unsteady gait (HP:0002317), Short stature (HP:0004322), Reduced cerebral white matter volume (HP:0034295).
Comment: BP4_Supporting (REVEL 0.192, -1) + PM2_Supporting (gnomAD v4.1 exomes 15/1,461,748; genomes 1/152,232; no homozygotes, 1) + PP1_Supporting (1) + PP4_Supporting (clinical phenotype judged consistent with NEDCASB by the treating clinical geneticists, 1) = 2 points. PM3 not applied (variant in trans, c.977G>T, is of uncertain significance). Biallelic hypomorphic SHMT2 variants cause NEDCASB (PMID:33015733; PMID:39589606); this variant has not been functionally characterized.

GeneDx
Classification: Uncertain significance. Last evaluated: 2025-07-10. Review status: criteria provided, single submitter. Criteria: GeneDx Variant Classification Process June 2021. Collection method: clinical testing. Allele origin: germline.
Comment: In silico analysis supports that this missense variant has a deleterious effect on protein structure/function; Has not been previously published as pathogenic or benign to our knowledge

Genomic Medicine Center of Excellence, King Faisal Specialist Hospital and Research Centre
Classification: Uncertain significance for Neurodevelopmental disorder with cardiomyopathy, spasticity, and brain abnormalities. Last evaluated: 2024-12-19. Review status: criteria provided, single submitter. Criteria: ACMG Guidelines, 2015. Collection method: clinical testing. Allele origin: germline.

Literature cited by the submitters: PubMed 33015733 (cited by Systems Biology Laboratory, Department of Convergent Bioscience and Informatics, Chungnam National University); PubMed 39589606 (cited by Systems Biology Laboratory, Department of Convergent Bioscience and Informatics, Chungnam National University).

NM_005412.6(SHMT2):c.1075C>T (p.Arg359Trp)

Gene: SHMT2 (serine hydroxymethyltransferase 2; plus strand). Cytogenetic location: 12q13.3.
Variant type: single nucleotide variant.
Coding change: c.1075C>T on transcript NM_005412.6 (MANE Select); coding-DNA position 1075, C replaced by T.
Protein change: p.Arg359Trp; replaces arginine 359 with tryptophan.
Molecular consequence: missense variant. On other transcripts: non-coding transcript variant (4).
Genome position (GRCh38, 1-based): chr12:57,233,614, C>T. VCF-style: chr12-57233614-C-T. GRCh37 (hg19) VCF-style: chr12-57627397-C-T.
Other names: c.1045C>T, p.Arg349Trp (NM_001166356.2); c.1012C>T, p.Arg338Trp (NM_001166357.1, NM_001166358.2, NM_001166359.1); short protein forms R338W, R349W, R359W.
Identifiers: ClinVar variation 2576800 (VCV002576800.4), dbSNP rs913349362, ClinGen allele CA237771117.